The following is an entry in ClinVar:

NM_000388.4(CASR):c.1105C>A (p.Pro369Thr)

Gene: CASR (calcium sensing receptor; plus strand). Cytogenetic location: 3q21.1.
Variant type: single nucleotide variant.
Coding change: c.1105C>A on transcript NM_000388.4 (MANE Select); coding-DNA position 1105, C replaced by A.
Protein change: p.Pro369Thr; replaces proline 369 with threonine.
Molecular consequence: missense variant.
Genome position (GRCh38, 1-based): chr3:122,262,140, C>A. VCF-style: chr3-122262140-C-A. GRCh37 (hg19) VCF-style: chr3-121980987-C-A.
Other names: c.1105C>A, p.Pro369Thr (NM_001178065.2); short protein forms P369T.
Identifiers: ClinVar variation 818371 (VCV000818371.14), dbSNP rs1217895146, ClinGen allele CA354152598.

ClinVar aggregate classification (germline): Uncertain significance. Review status: criteria provided, multiple submitters, no conflicts (2 of 4 stars). 3 submissions from 3 submitters: Uncertain significance (3). Last evaluated 2024-01-12.

Conditions:
Nephrolithiasis/nephrocalcinosis. Identifiers: MedGen CN580796.
Familial hypocalciuric hypercalcemia (FHH). Also called: Familial benign hypercalcemia. Identifiers: Orphanet 405, MedGen C1809471, MONDO:0018458.
Autosomal dominant hypocalcemia 1 (HYPOC1). Also called: HYPOCALCEMIA, FAMILIAL. Identifiers: MedGen C3715128, MONDO:0011013, OMIM 601198.
Familial hypocalciuric hypercalcemia 1. Also called: Hypercalcemia, familial benign type 1. Identifiers: Orphanet 405, Orphanet 93372, MedGen C0342637, MONDO:0007791, OMIM 145980.
Neonatal severe primary hyperparathyroidism. Identifiers: Orphanet 417, MedGen C1832615, MONDO:0009397, OMIM 239200.
Epilepsy, idiopathic generalized, susceptibility to, 8. Identifiers: MedGen C2752062, MONDO:0013032, OMIM 612899.

Allele frequency attached by ClinVar (database versions not stated): gnomAD exomes below 0.00001 and 0.00001.
gnomAD v4.1: 4 of 1,614,176 alleles (0.00025%); highest among the groups gnomAD compares: Non-Finnish European, 0.00034%; no homozygotes.

Submissions (3):

Labcorp Genetics (formerly Invitae), Labcorp
Classification: Uncertain significance for Familial hypocalciuric hypercalcemia; Autosomal dominant hypocalcemia 1. Last evaluated: 2024-01-12. Review status: criteria provided, single submitter. Criteria: Invitae Variant Classification Sherloc (09022015). Collection method: clinical testing. Allele origin: germline.
Comment: This sequence change replaces proline, which is neutral and non-polar, with threonine, which is neutral and polar, at codon 369 of the CASR protein (p.Pro369Thr). This variant is present in population databases (no rsID available, gnomAD 0.0009%). This variant has not been reported in the literature in individuals affected with CASR-related conditions. ClinVar contains an entry for this variant (Variation ID: 818371). Algorithms developed to predict the effect of missense changes on protein structure and function output the following: SIFT: "Not Available"; PolyPhen-2: "Benign"; Align-GVGD: "Not Available". The threonine amino acid residue is found in multiple mammalian species, which suggests that this missense change does not adversely affect protein function. In summary, the available evidence is currently insufficient to determine the role of this variant in disease. Therefore, it has been classified as a Variant of Uncertain Significance.

Fulgent Genetics
Classification: Uncertain significance for Familial hypocalciuric hypercalcemia 1; Neonatal severe primary hyperparathyroidism; Autosomal dominant hypocalcemia 1; Epilepsy, idiopathic generalized, susceptibility to, 8. Last evaluated: 2024-01-08. Review status: criteria provided, single submitter. Criteria: ACMG Guidelines, 2015. Collection method: clinical testing. Allele origin: germline.

Ambry Genetics
Classification: Uncertain significance for Nephrolithiasis/nephrocalcinosis. Last evaluated: 2022-11-30. Review status: criteria provided, single submitter. Criteria: Ambry Variant Classification Scheme 2023. Collection method: clinical testing. Allele origin: germline.
Comment: The p.P369T variant (also known as c.1105C>A), located in coding exon 3 of the CASR gene, results from a C to A substitution at nucleotide position 1105. The proline at codon 369 is replaced by threonine, an amino acid with highly similar properties. This amino acid position is not well conserved in available vertebrate species. In addition, this alteration is predicted to be tolerated by in silico analysis. Since supporting evidence is limited at this time, the clinical significance of this alteration remains unclear.